The following is an entry in ClinVar:

NM_020800.3(IFT80):c.2223+4_2223+7del

Genes: TRIM59-IFT80 (TRIM59-IFT80 readthrough (NMD candidate); minus strand), IFT80 (intraflagellar transport 80; minus strand). Cytogenetic location: 3q25.33.
Variant type: Deletion.
Coding change: c.2223+4_2223+7del on transcript NM_020800.3 (MANE Select); bases 4 to 7 of the intron after coding-DNA position 2223, 4 bases deleted (AGTA; older notation c.2223+4_2223+7delAGTA).
Molecular consequence: splice donor variant.
Genome position (GRCh38, 1-based): chr3:160,268,406-160,268,409, TACT deleted on the plus strand (AGTA on the coding strand, the reverse complement: IFT80 is on the minus strand); deleting any 4 consecutive bases within chr3:160,268,406-160,268,412 gives the same sequence; the c. name uses the placement nearest the transcript's 3' end. VCF-style (leftmost placement, unchanged base first): chr3-160268405-ATACT-A. GRCh37 (hg19) VCF-style: chr3-159986193-ATACT-A.
Other names: c.1812+4_1812+7del (NM_001190241.2, NM_001190242.2); c.2223+4_2223+7delAGTA (NM_020800.2).
Identifiers: ClinVar variation 528894 (VCV000528894.7), dbSNP rs751433239, ClinGen allele CA2684942.
Genomic context (GRCh38, chr3:160,268,405, plus strand): 5'-CATTAGGATGAATATGACATATACTTATAAAGCATATGTATTATTATACAAAATTGTGAA[ATACT>A]TACACCTTCTGCATAATGCAAGTATCGTTTATTAGTTTCCTGTTTACCAAATGTCTCCAA-3'

ClinVar aggregate classification (germline): Uncertain significance (1 of 4 stars; one submission).

Conditions:
Jeune thoracic dystrophy. Also called: Jeune syndrome; Infantile thoracic dystrophy; Thoracic pelvic phalangeal dystrophy; Jeune's syndrome; Chondroectodermal dysplasia-like syndrome; Short-rib thoracic dysplasia. Identifiers: Orphanet 474, MedGen C0265275, MONDO:0018770.

Submission:

Labcorp Genetics (formerly Invitae), Labcorp
Classification: Uncertain significance for Jeune thoracic dystrophy. Last evaluated: 2022-10-31. Review status: criteria provided, single submitter. Criteria: Invitae Variant Classification Sherloc (09022015). Collection method: clinical testing. Allele origin: germline.
Comment: This sequence change falls in intron 19 of the IFT80 gene. It does not directly change the encoded amino acid sequence of the IFT80 protein. It affects a nucleotide within the consensus splice site. This variant is present in population databases (rs751433239, gnomAD 0.006%). This variant has not been reported in the literature in individuals affected with IFT80-related conditions. ClinVar contains an entry for this variant (Variation ID: 528894). Variants that disrupt the consensus splice site are a relatively common cause of aberrant splicing (PMID: 17576681, 9536098). Algorithms developed to predict the effect of sequence changes on RNA splicing suggest that this variant may disrupt the consensus splice site. In summary, the available evidence is currently insufficient to determine the role of this variant in disease. Therefore, it has been classified as a Variant of Uncertain Significance.

Literature cited by the submitters: PubMed 17576681; PubMed 9536098.